The following is an entry in ClinVar:

ClinVar aggregate classification (germline): Conflicting classifications of pathogenicity. Review status: criteria provided, conflicting classifications (1 of 4 stars). 2 submissions from 2 submitters: Uncertain significance (1); Likely benign (1). Last evaluated 2026-09-03.

Conditions:
Inborn genetic diseases. Identifiers: MedGen C0950123, MeSH D030342.
NPHP1-related disorder. Also called: NPHP1-related disorders; NPHP1-related condition.

gnomAD v4.1: 5 of 1,603,374 alleles (0.00031%); highest among the groups gnomAD compares: Admixed American, 0.0033%; no homozygotes.

Submissions (2):

PreventionGenetics, part of Exact Sciences
Classification: Uncertain significance for NPHP1-related condition. Last evaluated: 2026-09-03. Review status: criteria provided, single submitter. Criteria: ACMG Guidelines, 2015. Collection method: clinical testing. Allele origin: germline.
Comment: The NPHP1 c.1585A>G variant is predicted to result in the amino acid substitution p.Ile529Val. To our knowledge, this variant has not been reported in the literature. This variant is reported in 0.0058% of alleles in individuals of Latino descent in gnomAD. At this time, the clinical significance of this variant is uncertain due to the absence of conclusive functional and genetic evidence.

Ambry Genetics
Classification: Likely benign for Inborn genetic diseases. Last evaluated: 2024-06-02. Review status: criteria provided, single submitter. Criteria: Ambry Variant Classification Scheme 2023. Collection method: clinical testing. Allele origin: germline.

NM_001128178.3(NPHP1):c.1417A>G (p.Ile473Val)

Gene: NPHP1 (nephrocystin 1; minus strand). Cytogenetic location: 2q13.
Variant type: single nucleotide variant.
Coding change: c.1417A>G on transcript NM_001128178.3 (MANE Select); coding-DNA position 1417, A replaced by G.
Protein change: p.Ile473Val; replaces isoleucine 473 with valine.
Molecular consequence: missense variant.
Genome position (GRCh38, 1-based): chr2:110,144,505, T>C on the plus strand (A>G on the coding strand, the complement: NPHP1 is on the minus strand). VCF-style: chr2-110144505-T-C. GRCh37 (hg19) VCF-style: chr2-110902082-T-C.
Other names: c.1585A>G, p.Ile529Val (NM_000272.5); c.1228A>G, p.Ile410Val (NM_001128179.3); c.1414A>G, p.Ile472Val (NM_001374256.1); c.1417A>G, p.Ile473Val (NM_001374257.1); c.1582A>G, p.Ile528Val (NM_207181.4); short protein forms I472V, I529V, I528V, I410V, I473V.
Identifiers: ClinVar variation 3300784 (VCV003300784.2).